The following is an entry in ClinVar:

NM_000069.3(CACNA1S):c.3130T>A (p.Phe1044Ile)

Gene: CACNA1S (calcium voltage-gated channel subunit alpha1 S; minus strand). Cytogenetic location: 1q32.1.
Variant type: single nucleotide variant.
Coding change: c.3130T>A on transcript NM_000069.3 (MANE Select); coding-DNA position 3130, T replaced by A.
Protein change: p.Phe1044Ile; replaces phenylalanine 1044 with isoleucine.
Molecular consequence: missense variant.
Genome position (GRCh38, 1-based): chr1:201,061,392, A>T on the plus strand (T>A on the coding strand, the complement: CACNA1S is on the minus strand). VCF-style: chr1-201061392-A-T. GRCh37 (hg19) VCF-style: chr1-201030520-A-T.
Other names: short protein forms F1044I.
Identifiers: ClinVar variation 3069946 (VCV003069946.1), dbSNP rs1163407139, ClinGen allele CA344162517.

ClinVar aggregate classification (germline): Uncertain significance (1 of 4 stars; one submission).

Conditions:
Malignant hyperthermia, susceptibility to, 5 (MHS5). Also called: CACNA1S-Related Malignant Hyperthermia Susceptibility. Identifiers: Orphanet 423, MedGen C1866077, MONDO:0011163, OMIM 601887.

Allele frequency attached by ClinVar (database versions not stated): gnomAD exomes below 0.00001; TOPMed below 0.00001; gnomAD 0.00001.
gnomAD v4.1: 2 of 1,614,124 alleles (0.00012%); highest among the groups gnomAD compares: Non-Finnish European, 0.00017%; no homozygotes.

Submission:

All of Us Research Program, National Institutes of Health
Classification: Uncertain significance for Malignant hyperthermia, susceptibility to, 5. Last evaluated: 2023-03-28. Review status: criteria provided, single submitter. Criteria: ACMG Guidelines, 2015. Collection method: clinical testing. Allele origin: germline. Inheritance: Autosomal dominant inheritance. Observed: 1 variant allele, 1 heterozygote.
Comment: This study involves interpretation of variants in research participants for the purpose of population health screening. Participant phenotype was not available at the time of variant classification. Additional details can be found in publication PMID: 35346344, PMCID: PMC8962531